The following is an entry in ClinVar:

ClinVar aggregate classification (germline): Uncertain significance. Review status: criteria provided, multiple submitters, no conflicts (2 of 4 stars). 2 submissions from 2 submitters: Uncertain significance (2). Last evaluated 2026-08-25.

Conditions:
Cohen syndrome (COH1). Also called: Cutis verticis gyrata, retinitis pigmentosa, and sensorineural deafness; PEPPER SYNDROME. Identifiers: Orphanet 193, MedGen C0265223, MONDO:0008999, OMIM 216550.
VPS13B-related disorder. Also called: VPS13B-related condition.

Submissions (2):

PreventionGenetics, part of Exact Sciences
Classification: Uncertain significance for VPS13B-related condition. Last evaluated: 2026-08-25. Review status: criteria provided, single submitter. Criteria: ACMG Guidelines, 2015. Collection method: clinical testing. Allele origin: germline.
Comment: The VPS13B c.2309A>G variant is predicted to result in the amino acid substitution p.Lys770Arg. To our knowledge, this variant has not been reported in the literature or in a large population database (gnomAD), indicating this variant is rare. At this time, the clinical significance of this variant is uncertain due to the absence of conclusive functional and genetic evidence.

Labcorp Genetics (formerly Invitae), Labcorp
Classification: Uncertain significance for Cohen syndrome. Last evaluated: 2022-07-12. Review status: criteria provided, single submitter. Criteria: Invitae Variant Classification Sherloc (09022015). Collection method: clinical testing. Allele origin: germline.
Comment: This sequence change replaces lysine, which is basic and polar, with arginine, which is basic and polar, at codon 770 of the VPS13B protein (p.Lys770Arg). This variant is not present in population databases (gnomAD no frequency). This variant has not been reported in the literature in individuals affected with VPS13B-related conditions. ClinVar contains an entry for this variant (Variation ID: 1477839). Algorithms developed to predict the effect of missense changes on protein structure and function are either unavailable or do not agree on the potential impact of this missense change (SIFT: "Not Available"; PolyPhen-2: "Possibly Damaging"; Align-GVGD: "Not Available"). In summary, the available evidence is currently insufficient to determine the role of this variant in disease. Therefore, it has been classified as a Variant of Uncertain Significance.

NM_152564.5(VPS13B):c.2309A>G (p.Lys770Arg)

Gene: VPS13B (vacuolar protein sorting 13 homolog B; plus strand). Cytogenetic location: 8q22.2.
Variant type: single nucleotide variant.
Coding change: c.2309A>G on transcript NM_152564.5 (MANE Select); coding-DNA position 2309, A replaced by G.
Protein change: p.Lys770Arg; replaces lysine 770 with arginine.
Molecular consequence: missense variant.
Genome position (GRCh38, 1-based): chr8:99,170,139, A>G. VCF-style: chr8-99170139-A-G. GRCh37 (hg19) VCF-style: chr8-100182367-A-G.
Other names: c.2309A>G, p.Lys770Arg (NM_015243.3, NM_017890.5); c.2309A>G (NM_152564.4); short protein forms K770R.
Identifiers: ClinVar variation 1477839 (VCV001477839.6), dbSNP rs2132663512, ClinGen allele CA371865498.
Genomic context (GRCh38, chr8:99,170,139, plus strand): 5'-GTGGATCTTACTGCTTACCTGTACCAGTTATTCCCTCTTTCAGCACTGCTCTTTATGGGA[A>G]ACTTCTGAAACTCCCCACATGCTGGTAAGTCTTACATGTTAAAATGTGATTTATGTTAAT-3'
Protein context (NP_689777.3, residues 760-780): IPSFSTALYG[Lys770Arg]LLKLPTCWTK